The following is an entry in ClinVar:

NM_000135.4(FANCA):c.2008C>T (p.Arg670Cys)

Gene: FANCA (FA complementation group A; minus strand). Cytogenetic location: 16q24.3.
Variant type: single nucleotide variant.
Coding change: c.2008C>T on transcript NM_000135.4 (MANE Select); coding-DNA position 2008, C replaced by T.
Protein change: p.Arg670Cys; replaces arginine 670 with cysteine.
Molecular consequence: missense variant.
Genome position (GRCh38, 1-based): chr16:89,773,277, G>A on the plus strand (C>T on the coding strand, the complement: FANCA is on the minus strand). VCF-style: chr16-89773277-G-A. GRCh37 (hg19) VCF-style: chr16-89839685-G-A.
Other names: c.2008C>T (LRG_495t1); c.2008C>T, p.Arg670Cys (NM_001286167.3); short protein forms R670C.
Identifiers: ClinVar variation 134249 (VCV000134249.16), dbSNP rs587778312, ClinGen allele CA159260.

ClinVar aggregate classification (germline): Conflicting classifications of pathogenicity. Review status: criteria provided, conflicting classifications (1 of 4 stars). 7 submissions from 7 submitters: Uncertain significance (2); Likely benign (2). 3 of the submissions do not count toward it. Last evaluated 2025-07-10.

Conditions:
Fanconi anemia (FA). Also called: Fanconi's anemia. Identifiers: Orphanet 84, MedGen C0015625, MeSH D005199, MONDO:0019391.
Inborn genetic diseases. Identifiers: MedGen C0950123, MeSH D030342.
Hereditary cancer-predisposing syndrome. Also called: Tumor predisposition; Hereditary neoplastic syndrome; Neoplastic Syndromes, Hereditary; Hereditary Cancer Syndrome. Identifiers: Orphanet 140162, MedGen C0027672, MeSH D009386, MONDO:0015356.
Fanconi anemia complementation group A (FANCA). Also called: Fanconi anemia, group A; FANCA-Related Fanconi Anemia. Identifiers: Orphanet 84, MedGen C3469521, MONDO:0009215, OMIM 227650.

Allele frequency attached by ClinVar (database versions not stated): TOPMed 0.00001; gnomAD 0.00002 and 0.00004; gnomAD exomes 0.00002 and 0.00008; ExAC 0.00020.

Submissions (7):

Laboratorio de I+D, Fundación Centro Médico de Asturias
Classification: Likely benign for Hereditary cancer-predisposing syndrome. Last evaluated: 2025-07-10. Review status: criteria provided, single submitter. Criteria: ACMG Guidelines, 2015. Collection method: clinical testing. Allele origin: germline.
Comment: BP4_Strong+BP1+PM2_Supporting

Labcorp Genetics (formerly Invitae), Labcorp
Classification: Likely benign for Fanconi anemia. Last evaluated: 2025-05-27. Review status: criteria provided, single submitter. Criteria: Invitae Variant Classification Sherloc (09022015). Collection method: clinical testing. Allele origin: germline.

Ambry Genetics
Classification: Uncertain significance for Inborn genetic diseases. Last evaluated: 2024-12-06. Review status: criteria provided, single submitter. Criteria: Ambry Variant Classification Scheme 2023. Collection method: clinical testing. Allele origin: germline.
Comment: The p.R670C variant (also known as c.2008C>T), located in coding exon 22 of the FANCA gene, results from a C to T substitution at nucleotide position 2008. The arginine at codon 670 is replaced by cysteine, an amino acid with highly dissimilar properties. This amino acid position is conserved. In addition, this alteration is predicted to be tolerated by in silico analysis. Based on the available evidence, the clinical significance of this variant remains unclear.

Fulgent Genetics
Classification: Uncertain significance for Fanconi anemia complementation group A. Last evaluated: 2024-01-10. Review status: criteria provided, single submitter. Criteria: ACMG Guidelines, 2015. Collection method: clinical testing. Allele origin: germline.

Natera, Inc.
Classification: Uncertain significance for Fanconi anemia. Last evaluated: 2020-04-28. Review status: no assertion criteria provided. Collection method: clinical testing. Allele origin: germline. Not counted in ClinVar's aggregate classification.

Counsyl
Classification: Uncertain significance for Fanconi anemia complementation group A. Last evaluated: 2017-06-15. Review status: no assertion criteria provided. Collection method: clinical testing. Allele origin: unknown. Not counted in ClinVar's aggregate classification.

ITMI
No classification provided. Condition: AllHighlyPenetrant. Last evaluated: 2013-09-19. Review status: no classification provided. Collection method: reference population. Allele origin: germline. Not counted in ClinVar's aggregate classification.
Comment: Please see associated publication for description of ethnicities

Literature cited by the submitters: PubMed 24728327 (cited by ITMI).